The following is an entry in ClinVar:

ClinVar aggregate classification (germline): Uncertain significance (1 of 4 stars; one submission).

Conditions:
FBN1-related disorder. Also called: FBN1-related disorders.

Submission:

PreventionGenetics, part of Exact Sciences
Classification: Uncertain significance for FBN1-related condition. Last evaluated: 2026-05-11. Review status: criteria provided, single submitter. Criteria: ACMG Guidelines, 2015. Collection method: clinical testing. Allele origin: germline.
Comment: The FBN1 c.8357C>T variant is predicted to result in the amino acid substitution p.Thr2786Ile. To our knowledge, this variant has not been reported in the literature or in a large population database (gnomAD), indicating this variant is rare. At this time, the clinical significance of this variant is uncertain due to the absence of conclusive functional and genetic evidence.

NM_000138.5(FBN1):c.8357C>T (p.Thr2786Ile)

Gene: FBN1 (fibrillin 1; minus strand). Cytogenetic location: 15q21.1.
Variant type: single nucleotide variant.
Coding change: c.8357C>T on transcript NM_000138.5 (MANE Select); coding-DNA position 8357, C replaced by T.
Protein change: p.Thr2786Ile; replaces threonine 2786 with isoleucine.
Molecular consequence: missense variant.
Genome position (GRCh38, 1-based): chr15:48,411,249, G>A on the plus strand (C>T on the coding strand, the complement: FBN1 is on the minus strand). VCF-style: chr15-48411249-G-A. GRCh37 (hg19) VCF-style: chr15-48703446-G-A.
Other names: c.8357C>T, p.Thr2786Ile (NM_001406716.1); short protein forms T2786I.
Identifiers: ClinVar variation 4994488 (VCV004994488.1).